The following is an entry in ClinVar:

ClinVar aggregate classification (germline): Likely pathogenic (1 of 4 stars; one submission).

Conditions:
Immunodeficiency-centromeric instability-facial anomalies syndrome 2 (ICF2). Identifiers: Orphanet 2268, MedGen C3279748, MONDO:0013553, OMIM 614069.

Submission:

Labcorp Genetics (formerly Invitae), Labcorp
Classification: Likely pathogenic for Immunodeficiency-centromeric instability-facial anomalies syndrome 2. Last evaluated: 2023-01-19. Review status: criteria provided, single submitter. Criteria: Invitae Variant Classification Sherloc (09022015). Collection method: clinical testing. Allele origin: germline.
Comment: In summary, the currently available evidence indicates that the variant is pathogenic, but additional data are needed to prove that conclusively. Therefore, this variant has been classified as Likely Pathogenic. Algorithms developed to predict the effect of sequence changes on RNA splicing suggest that this variant may disrupt the consensus splice site. This variant has not been reported in the literature in individuals affected with ZBTB24-related conditions. This variant is not present in population databases (gnomAD no frequency). This sequence change affects a donor splice site in intron 4 of the ZBTB24 gene. It is expected to disrupt RNA splicing. Variants that disrupt the donor or acceptor splice site typically lead to a loss of protein function (PMID: 16199547), and loss-of-function variants in ZBTB24 are known to be pathogenic (PMID: 21596365).

Literature cited by the submitters: PubMed 16199547; PubMed 21596365.

NM_014797.3(ZBTB24):c.1204+1G>A

Gene: ZBTB24 (zinc finger and BTB domain containing 24; minus strand). Cytogenetic location: 6q21.
Variant type: single nucleotide variant.
Coding change: c.1204+1G>A on transcript NM_014797.3 (MANE Select); the canonical splice donor site of the intron after coding-DNA position 1204, G replaced by A.
Molecular consequence: splice donor variant.
Genome position (GRCh38, 1-based): chr6:109,476,174, C>T on the plus strand (G>A on the coding strand, the complement: ZBTB24 is on the minus strand). VCF-style: chr6-109476174-C-T. GRCh37 (hg19) VCF-style: chr6-109797377-C-T.
Identifiers: ClinVar variation 2830303 (VCV002830303.3), dbSNP rs1175562986, ClinGen allele CA365203012.